The following is an entry in ClinVar:

NM_020919.4(ALS2):c.3053G>A (p.Gly1018Glu)

Gene: ALS2 (alsin Rho guanine nucleotide exchange factor ALS2; minus strand). Cytogenetic location: 2q33.1.
Variant type: single nucleotide variant.
Coding change: c.3053G>A on transcript NM_020919.4 (MANE Select); coding-DNA position 3053, G replaced by A.
Protein change: p.Gly1018Glu; replaces glycine 1018 with glutamic acid.
Molecular consequence: missense variant.
Genome position (GRCh38, 1-based): chr2:201,726,793, C>T on the plus strand (G>A on the coding strand, the complement: ALS2 is on the minus strand). VCF-style: chr2-201726793-C-T. GRCh37 (hg19) VCF-style: chr2-202591516-C-T.
Other names: short protein forms G1018E.
Identifiers: ClinVar variation 1479595 (VCV001479595.6), dbSNP rs2106006781, ClinGen allele CA350321310.
Genomic context (GRCh38, chr2:201,726,793, plus strand): 5'-AAAGTATATTTGGCACTGCGTGAAATGGGTGGTTCCTGTCTCTGAACACTGCTACCACTT[C>T]CATAAGGGGGGAGATCAGACATCCCTCTCAAAGCCTGATCTACGGCTTGGCTTATAGCTC-3'
Protein context (NP_065970.2, residues 1008-1028): LRGMSDLPPY[Gly1018Glu]SGSSVQRQEP

ClinVar aggregate classification (germline): Uncertain significance (1 of 4 stars; one submission).

Conditions:
Infantile-onset ascending hereditary spastic paralysis (IAHSP). Also called: Infantile-Onset Ascending Hereditary Spastic Paralysis (IAHSP); Autosomal Recessive Juvenile Amyotrophic Lateral Sclerosis. Identifiers: Orphanet 293168, MedGen C2931441, MONDO:0011797, OMIM 607225. Disease mechanism: loss of function.

Allele frequency attached by ClinVar (database versions not stated): gnomAD exomes below 0.00001.
gnomAD v4.1: 3 of 1,614,118 alleles (0.00019%); highest among the groups gnomAD compares: Non-Finnish European, 0.00025%; no homozygotes.

Submission:

Labcorp Genetics (formerly Invitae), Labcorp
Classification: Uncertain significance for Infantile-onset ascending hereditary spastic paralysis. Last evaluated: 2021-08-04. Review status: criteria provided, single submitter. Criteria: Invitae Variant Classification Sherloc (09022015). Collection method: clinical testing. Allele origin: germline.
Comment: In summary, the available evidence is currently insufficient to determine the role of this variant in disease. Therefore, it has been classified as a Variant of Uncertain Significance. Algorithms developed to predict the effect of missense changes on protein structure and function are either unavailable or do not agree on the potential impact of this missense change (SIFT: "Deleterious"; PolyPhen-2: "Benign"; Align-GVGD: "Class C0"). This variant has not been reported in the literature in individuals affected with ALS2-related conditions. This variant is not present in population databases (ExAC no frequency). This sequence change replaces glycine with glutamic acid at codon 1018 of the ALS2 protein (p.Gly1018Glu). The glycine residue is highly conserved and there is a moderate physicochemical difference between glycine and glutamic acid.